The following is an entry in ClinVar:

ClinVar aggregate classification (germline): Pathogenic/Likely pathogenic. Review status: criteria provided, multiple submitters, no conflicts (2 of 4 stars). 3 submissions from 3 submitters: Pathogenic (1); Likely pathogenic (2). Last evaluated 2022-02-08.

Conditions:
Retinitis pigmentosa 4 (RP4). Also called: RETINITIS PIGMENTOSA, RHODOPSIN-RELATED. Identifiers: Orphanet 791, MedGen C3151001, MONDO:0013395, OMIM 613731.

Submissions (3):

Labcorp Genetics (formerly Invitae), Labcorp
Classification: Pathogenic. Last evaluated: 2022-02-08. Review status: criteria provided, single submitter. Criteria: Invitae Variant Classification Sherloc (09022015). Collection method: clinical testing. Allele origin: germline.
Comment: For these reasons, this variant has been classified as Pathogenic. This variant disrupts the p.Asn15 amino acid residue in RHO. Other variant(s) that disrupt this residue have been determined to be pathogenic (PMID: 8353500, 9483582, 31100078). This suggests that this residue is clinically significant, and that variants that disrupt this residue are likely to be disease-causing. Algorithms developed to predict the effect of sequence changes on RNA splicing suggest that this variant may create or strengthen a splice site. Advanced modeling of protein sequence and biophysical properties (such as structural, functional, and spatial information, amino acid conservation, physicochemical variation, residue mobility, and thermodynamic stability) performed at Invitae indicates that this missense variant is not expected to disrupt RHO protein function. ClinVar contains an entry for this variant (Variation ID: 802004). This missense change has been observed in individuals with autosomal dominant retinitis pigmentosa (PMID: 30538586; Invitae). This variant is not present in population databases (gnomAD no frequency). This sequence change replaces asparagine, which is neutral and polar, with lysine, which is basic and polar, at codon 15 of the RHO protein (p.Asn15Lys).

Centre for Genomic Medicine, Manchester, Central Manchester University Hospitals
Classification: Likely pathogenic for Retinitis pigmentosa 4. Last evaluated: 2020-09-01. Review status: criteria provided, single submitter. Criteria: ACMG Guidelines, 2015. Collection method: clinical testing. Allele origin: germline. Affected: yes. Observed: 1 heterozygote.

Mendelics
Classification: Likely pathogenic for Retinitis pigmentosa 4. Last evaluated: 2019-05-28. Review status: criteria provided, single submitter. Criteria: Mendelics Assertion Criteria 2017. Collection method: clinical testing. Allele origin: unknown.

Literature cited by the submitters: PubMed 8353500 (cited by Labcorp Genetics (formerly Invitae), Labcorp); PubMed 9483582 (cited by Labcorp Genetics (formerly Invitae), Labcorp); PubMed 31100078 (cited by Labcorp Genetics (formerly Invitae), Labcorp); PubMed 30538586 (cited by Labcorp Genetics (formerly Invitae), Labcorp).

NM_000539.3(RHO):c.45T>G (p.Asn15Lys)

Gene: RHO (rhodopsin; plus strand). Cytogenetic location: 3q22.1.
Variant type: single nucleotide variant.
Coding change: c.45T>G on transcript NM_000539.3 (MANE Select); coding-DNA position 45, T replaced by G.
Protein change: p.Asn15Lys; replaces asparagine 15 with lysine.
Molecular consequence: missense variant.
Genome position (GRCh38, 1-based): chr3:129,528,778, T>G. VCF-style: chr3-129528778-T-G. GRCh37 (hg19) VCF-style: chr3-129247621-T-G.
Other names: short protein forms N15K.
Identifiers: ClinVar variation 802004 (VCV000802004.7), dbSNP rs1578278088, ClinGen allele CA354495338.
Genomic context (GRCh38, chr3:129,528,778, plus strand): 5'-CACAAGGGCCACAGCCATGAATGGCACAGAAGGCCCTAACTTCTACGTGCCCTTCTCCAA[T>G]GCGACGGGTGTGGTACGCAGCCCCTTCGAGTACCCACAGTACTACCTGGCTGAGCCATGG-3'
Protein context (NP_000530.1, residues 5-25): EGPNFYVPFS[Asn15Lys]ATGVVRSPFE